The following is an entry in ClinVar:

ClinVar aggregate classification (germline): Conflicting classifications of pathogenicity. Review status: criteria provided, conflicting classifications (1 of 4 stars). 3 submissions from 3 submitters: Uncertain significance (1); Likely benign (2). Last evaluated 2025-05-21.

Conditions:
Hereditary breast ovarian cancer syndrome. Also called: Hereditary breast and ovarian cancer syndrome; Hereditary breast and ovarian cancer syndrome (HBOC); BRCA1- and BRCA2-Associated Hereditary Breast and Ovarian Cancer; Hereditary breast and ovarian cancer; Breast and ovarian cancer; Hereditary breast and/or ovarian cancer syndrome. Identifiers: Orphanet 145, MedGen C0677776, MeSH D061325, MONDO:0003582. Disease mechanism: loss of function.
Hereditary cancer-predisposing syndrome. Also called: Neoplastic Syndromes, Hereditary; Hereditary neoplastic syndrome; Tumor predisposition; Hereditary Cancer Syndrome. Identifiers: Orphanet 140162, MedGen C0027672, MeSH D009386, MONDO:0015356.

Submissions (3):

Labcorp Genetics (formerly Invitae), Labcorp
Classification: Likely benign for Hereditary breast ovarian cancer syndrome. Last evaluated: 2025-05-21. Review status: criteria provided, single submitter. Criteria: Invitae Variant Classification Sherloc (09022015). Collection method: clinical testing. Allele origin: germline.

Ambry Genetics
Classification: Likely benign for Hereditary cancer-predisposing syndrome. Last evaluated: 2024-12-21. Review status: criteria provided, single submitter. Criteria: Ambry Variant Classification Scheme 2023. Collection method: clinical testing. Allele origin: germline.

Quest Diagnostics Nichols Institute San Juan Capistrano
Classification: Uncertain significance. Last evaluated: 2023-05-23. Review status: criteria provided, single submitter. Criteria: Quest Diagnostics criteria. Collection method: clinical testing. Allele origin: unknown.
Comment: To the best of our knowledge, this variant has not been reported in the published literature. It also has not been reported in large, multi-ethnic general populations (Genome Aggregation Database). Analysis of this variant using software algorithms for the prediction of the effect of nucleotide changes on splicing yielded predictions that this variant does not affect BRCA2 mRNA splicing . Based on the available information, we are unable to determine the clinical significance of this variant.

NM_000059.4(BRCA2):c.7038T>C (p.Asn2346=)

Gene: BRCA2 (BRCA2 DNA repair associated; plus strand). Cytogenetic location: 13q13.1.
Variant type: single nucleotide variant.
Coding change: c.7038T>C on transcript NM_000059.4 (MANE Select); coding-DNA position 7038, T replaced by C.
Protein change: p.Asn2346=; no amino-acid change (asparagine 2346 retained).
Molecular consequence: synonymous variant. On other transcripts: non-coding transcript variant (1).
Genome position (GRCh38, 1-based): chr13:32,354,891, T>C. VCF-style: chr13-32354891-T-C. GRCh37 (hg19) VCF-style: chr13-32929028-T-C.
Other names: c.6942T>C, p.Asn2314= (NM_001406719.1); c.7038T>C, p.Asn2346= (NM_001406720.1); c.2106T>C, p.Asn702= (NM_001406721.1); c.621T>C, p.Asn207= (NM_001406722.1).
Identifiers: ClinVar variation 2681836 (VCV002681836.3), dbSNP rs2137555368, ClinGen allele CA483439333.